The following is an entry in ClinVar:

NM_003743.5(NCOA1):c.12C>T (p.Leu4=)

Gene: NCOA1 (nuclear receptor coactivator 1; plus strand). Cytogenetic location: 2p23.3.
Variant type: single nucleotide variant.
Coding change: c.12C>T on transcript NM_003743.5 (MANE Select); coding-DNA position 12, C replaced by T.
Protein change: p.Leu4=; no amino-acid change (leucine 4 retained).
Molecular consequence: synonymous variant.
Genome position (GRCh38, 1-based): chr2:24,658,689, C>T. VCF-style: chr2-24658689-C-T. GRCh37 (hg19) VCF-style: chr2-24881558-C-T.
Other names: c.12C>T, p.Leu4= (NM_001362950.1, NM_001362952.1, NM_001362954.1 and 3 more transcripts).
Identifiers: ClinVar variation 4979056 (VCV004979056.1).
Genomic context (GRCh38, chr2:24,658,689, plus strand): 5'-GTAGATTTCTTACTGTTGTCCTTCCTGTTTAGGTGTGAAGTTTTTCAACATGAGTGGCCT[C>T]GGGGACAGTTCATCCGACCCTGCTAACCCAGACTCACATAAGAGGAAAGGATCGCCATGT-3'
Protein context (NP_003734.3, residues 1-14): MSG[Leu4=]GDSSSDPANP

ClinVar aggregate classification (germline): Likely benign (1 of 4 stars; one submission).

Conditions:
NCOA1-related disorder. Also called: NCOA1-related condition.

gnomAD v4.1: 19 of 1,613,824 alleles (0.0012%); highest among the groups gnomAD compares: African/African-American, 0.0053%; no homozygotes.

Submission:

PreventionGenetics, part of Exact Sciences
Classification: Likely benign for NCOA1-related condition. Last evaluated: 2024-11-16. Review status: criteria provided, single submitter. Criteria: ACMG Guidelines, 2015. Collection method: clinical testing. Allele origin: germline.
Comment: This variant is classified as likely benign based on ACMG/AMP sequence variant interpretation guidelines (Richards et al. 2015 PMID: 25741868, with internal and published modifications).